The following is an entry in ClinVar:

NM_001358530.2(MOCS1):c.1894dup (p.Asp632fs)

Gene: MOCS1 (molybdenum cofactor synthesis 1; minus strand). Cytogenetic location: 6p21.2.
Variant type: Duplication.
Coding change: c.1894dup on transcript NM_001358530.2 (MANE Select); coding-DNA position 1894, one base duplicated (G; older notation c.1894dupG).
Protein change: p.Asp632fs; shifts the reading frame from aspartic acid 632.
Molecular consequence: frameshift variant. On other transcripts: 3 prime UTR variant (4), non-coding transcript variant (1).
Genome position (GRCh38, 1-based): chr6:39,906,374, C duplicated on the plus strand (G on the coding strand, the reverse complement: MOCS1 is on the minus strand); the first of 6 consecutive C bases (chr6:39,906,374-39,906,379); duplicating any one gives the same sequence. VCF-style (leftmost placement, unchanged base first): chr6-39906373-T-TC. GRCh37 (hg19) VCF-style: chr6-39874149-T-TC.
Other names: c.*751dup (NM_001075098.4, NM_001358533.2, NM_001358534.2 and 1 more transcripts); c.1846dup, p.Asp616fs (NM_001358529.2); c.1633dup, p.Asp545fs (NM_001358531.2); short protein forms D632fs, D545fs, D616fs.
Identifiers: ClinVar variation 1386585 (VCV001386585.3), dbSNP rs747994218, ClinGen allele CA3795861.

ClinVar aggregate classification (germline): Uncertain significance (1 of 4 stars; one submission).

Conditions:
Sulfite oxidase deficiency due to molybdenum cofactor deficiency type A. Also called: Molybdenum cofactor deficiency, complementation group A; Molybdenum Cofactor Deficiency A. Identifiers: Orphanet 308386, Orphanet 833, MedGen C1854988, MONDO:0009643, OMIM 252150.

Submission:

Labcorp Genetics (formerly Invitae), Labcorp
Classification: Uncertain significance for Sulfite oxidase deficiency due to molybdenum cofactor deficiency type A. Last evaluated: 2021-12-03. Review status: criteria provided, single submitter. Criteria: Invitae Variant Classification Sherloc (09022015). Collection method: clinical testing. Allele origin: germline.
Comment: This sequence change results in a frameshift in the MOCS1 gene (p.Asp632Glyfs*43). While this is not anticipated to result in nonsense mediated decay, it is expected to disrupt the last 5 amino acid(s) of the MOCS1 protein and extend the protein by 37 additional amino acid residues. This variant is present in population databases (rs747994218, gnomAD 0.03%). This variant has not been reported in the literature in individuals affected with MOCS1-related conditions. In summary, the available evidence is currently insufficient to determine the role of this variant in disease. Therefore, it has been classified as a Variant of Uncertain Significance.